The following is an entry in ClinVar:

ClinVar aggregate classification (germline): Uncertain significance (1 of 4 stars; one submission).

Conditions:
Arrhythmogenic right ventricular dysplasia 10. Also called: Arrhythmogenic Right Ventricular Dysplasia/Cardiomyopathy10; ARRHYTHMOGENIC RIGHT VENTRICULAR DYSPLASIA, FAMILIAL, 10; Arrhythmogenic right ventricular dysplasia/cardiomyopathy, type 10. Identifiers: MedGen C1857777, MONDO:0012434, OMIM 610193.

Allele frequency attached by ClinVar (database versions not stated): gnomAD exomes below 0.00001; TOPMed below 0.00001; gnomAD 0.00001.
gnomAD v4.1: 2 of 1,614,050 alleles (0.00012%); highest among the groups gnomAD compares: East Asian, 0.0022%; no homozygotes.

Submission:

Labcorp Genetics (formerly Invitae), Labcorp
Classification: Uncertain significance for Arrhythmogenic right ventricular dysplasia 10. Last evaluated: 2025-02-02. Review status: criteria provided, single submitter. Criteria: Invitae Variant Classification Sherloc (09022015). Collection method: clinical testing. Allele origin: germline.
Comment: This sequence change replaces valine, which is neutral and non-polar, with alanine, which is neutral and non-polar, at codon 1046 of the DSG2 protein (p.Val1046Ala). This variant is not present in population databases (gnomAD no frequency). This variant has not been reported in the literature in individuals affected with DSG2-related conditions. ClinVar contains an entry for this variant (Variation ID: 1412454). Invitae Evidence Modeling of protein sequence and biophysical properties (such as structural, functional, and spatial information, amino acid conservation, physicochemical variation, residue mobility, and thermodynamic stability) has been performed for this missense variant. However, the output from this modeling did not meet the statistical confidence thresholds required to predict the impact of this variant on DSG2 protein function. In summary, the available evidence is currently insufficient to determine the role of this variant in disease. Therefore, it has been classified as a Variant of Uncertain Significance.

NM_001943.5(DSG2):c.3137T>C (p.Val1046Ala)

Genes: DSG2 (desmoglein 2; plus strand), DSG2-AS1 (DSG2 antisense RNA 1; minus strand). Cytogenetic location: 18q12.1.
Variant type: single nucleotide variant.
Coding change: c.3137T>C on transcript NM_001943.5 (MANE Select); coding-DNA position 3137, T replaced by C.
Protein change: p.Val1046Ala; replaces valine 1046 with alanine.
Molecular consequence: missense variant.
Genome position (GRCh38, 1-based): chr18:31,546,523, T>C. VCF-style: chr18-31546523-T-C. GRCh37 (hg19) VCF-style: chr18-29126486-T-C.
Other names: short protein forms V1046A.
Identifiers: ClinVar variation 1412454 (VCV001412454.8), dbSNP rs2073312094, ClinGen allele CA402148649.